The following is an entry in ClinVar:

ClinVar aggregate classification (germline): Likely pathogenic (1 of 4 stars; one submission).

Conditions:
Hereditary cancer-predisposing syndrome. Also called: Hereditary neoplastic syndrome; Neoplastic Syndromes, Hereditary; Tumor predisposition; Hereditary Cancer Syndrome. Identifiers: Orphanet 140162, MedGen C0027672, MeSH D009386, MONDO:0015356.

Submission:

Ambry Genetics
Classification: Likely pathogenic for Hereditary cancer-predisposing syndrome. Last evaluated: 2023-03-17. Review status: criteria provided, single submitter. Criteria: Ambry Variant Classification Scheme 2023. Collection method: clinical testing. Allele origin: germline.
Comment: The c.8269-2A>G intronic variant results from an A to G substitution two nucleotides upstream from coding exon 56 in the ATM gene. This nucleotide position is highly conserved in available vertebrate species. In silico splice site analysis predicts that this alteration will weaken the native splice acceptor site. RNA studies have demonstrated that this alteration results in abnormal splicing in the set of samples tested and is expected to produce an abnormal protein (Ambry internal data). This variant is considered to be rare based on population cohorts in the Genome Aggregation Database (gnomAD). Based on the majority of available evidence to date, this variant is likely to be pathogenic.

NM_000051.4(ATM):c.8269-2A>G

Genes: ATM (ATM serine/threonine kinase; plus strand), C11orf65 (chromosome 11 open reading frame 65; minus strand). Cytogenetic location: 11q22.3.
Variant type: single nucleotide variant.
Coding change: c.8269-2A>G on transcript NM_000051.4 (MANE Select); the canonical splice acceptor site of the intron before coding-DNA position 8269, A replaced by G.
Molecular consequence: splice acceptor variant. On other transcripts: intron variant (2).
Genome position (GRCh38, 1-based): chr11:108,343,220, A>G. VCF-style: chr11-108343220-A-G. GRCh37 (hg19) VCF-style: chr11-108213947-A-G.
Other names: c.8269-2A>G (NM_001351834.2); c.641-34149T>C (NM_001330368.2); c.695-7928T>C (NM_001351110.2).
Identifiers: ClinVar variation 1762687 (VCV001762687.3), dbSNP rs2136939497, ClinGen allele CA382516280.